The following is an entry in ClinVar:

ClinVar aggregate classification (germline): Likely pathogenic. Review status: reviewed by expert panel (3 of 4 stars). 8 submissions from 8 submitters: Likely pathogenic (1). 7 of the submissions do not count toward it. Last evaluated 2026-07-15.

Conditions:
BRCA2-related cancer predisposition. Identifiers: MedGen CN377758, MONDO:0700269.
Hereditary cancer-predisposing syndrome. Also called: Neoplastic Syndromes, Hereditary; Hereditary neoplastic syndrome; Hereditary Cancer Syndrome; Tumor predisposition. Identifiers: Orphanet 140162, MedGen C0027672, MeSH D009386, MONDO:0015356.
Hereditary breast ovarian cancer syndrome. Also called: BRCA1- and BRCA2-Associated Hereditary Breast and Ovarian Cancer; Hereditary breast and ovarian cancer syndrome (HBOC); Hereditary breast and ovarian cancer syndrome; Hereditary breast and/or ovarian cancer syndrome; Breast and ovarian cancer; Hereditary breast and ovarian cancer. Identifiers: Orphanet 145, MedGen C0677776, MeSH D061325, MONDO:0003582. Disease mechanism: loss of function.
Breast-ovarian cancer, familial, susceptibility to, 2 (BROVCA2). Also called: BRCA2 Hereditary Breast and Ovarian Cancer. Identifiers: Orphanet 145, MedGen C2675520, MONDO:0012933, OMIM 612555. Disease mechanism: loss of function.

Submissions (8):

ClinGen ENIGMA BRCA1 and BRCA2 Variant Curation Expert Panel, ClinGen
Classification: Likely pathogenic for BRCA2-related cancer predisposition. Last evaluated: 2026-07-15. Review status: reviewed by expert panel. Criteria: CSpec BRCA1/2ACMG Rules Specifications V1.2. Collection method: curation. Allele origin: germline. Inheritance: Autosomal dominant inheritance.
Comment: The c.8954-3C>G variant is an intronic variant occurring in intron 22 of the BRCA2 gene. This variant is absent from gnomAD v4.1 (read depth ≥25x in >90% samples, PM2_Supporting met). This variant is reported to result in aberrant mRNA splicing. This BRCA2 intronic variant is located outside of the native donor and acceptor 1,2 splice sites, and has a SpliceAI score of 0.90 (acceptor loss) and 0.31 (acceptor gain), predicting an impact on splicing (score threshold ≥0.2) (PP3 not applied because a PVS1 code is met). This variant is reported to result in aberrant mRNA splicing. Mini-gene demonstrated that the variant impacts splicing by shifting the acceptor site two nucleotides upstream introducing two additional nucleotides into the coding sequence resulting in a frameshift (r.8952_8953dup) (PMID 22632462). The percent aberrant transcripts produced from the variant allele using semi-quantitative assessment with capillary electrophoresis was determined to be >90%. Final code strength determined by the rubric: PVS1_Strong (RNA). Intronic variant, functional data considered only from assays that measure effect via mRNA and protein. Reported by two calibrated studies incorporating mRNA splicing effects to exhibit protein function similar to pathogenic control variants (PMIDs: 39779857, Sharan internal data) (PS3 met). In summary, this variant meets the criteria to be classified as a Likely pathogenic variant for BRCA2-related cancer predisposition based on the ACMG/AMP criteria applied as specified by the ENIGMA BRCA1/2 VCEP (PM2_Supporting, PVS1_Strong (RNA), PS3).

Ambry Genetics
Classification: Likely pathogenic for Hereditary cancer-predisposing syndrome. Last evaluated: 2026-07-29. Review status: criteria provided, single submitter. Criteria: Ambry Variant Classification Scheme 2023. Collection method: clinical testing. Allele origin: germline. Not counted in ClinVar's aggregate classification.
Comment: The c.8954-3C>G intronic variant results from a C to G substitution 3 nucleotides upstream from coding exon 23 of the BRCA2 gene. In a functional splicing assay, this alteration resulted in the out-of-frame insertion of 2 nucleotides in exon 23 of BRCA2 (Acedo A et al. Breast Cancer Res., 2012 May;14:R87). Two saturation genome editing-based studies, including a haploid cell-survival assay and a humanized mouse embryonic stem cell line assay of drug response and survival, demonstrate that this nucleotide substitution is non-functional(Huang H et al. Nature. 2025 Feb;638(8050):528-537; Sahu S et al. Nature. 2025 Feb;638(8050):538-545). Another nearby alteration, c.8954-5A>G, has been classified as likely pathogenic based on segregation with disease in one family and on RT-PCR analysis demonstrating that this alteration results in out-of-frame retention of 4 nucleotides of intron 22 and in a truncated mRNA transcript (Santos C et al. J Mol Diagn, 2014 May;16:324-34; Men&eacute;ndez M et al. Breast Cancer Res. Treat., 2012 Apr;132:979-92; de Garibay GR et al. Hum. Mutat., 2014 Jan;35:53-7). This nucleotide position is not well conserved in available vertebrate species. In silico splice site analysis predicts that this alteration will weaken the native splice acceptor site and may result in the creation or strengthening of a novel splice acceptor site; however, direct evidence is insufficient at this time (Ambry internal data). Based on the majority of available evidence to date, this variant is likely to be pathogenic.

Color Diagnostics, LLC DBA Color Health
Classification: Likely pathogenic for Hereditary cancer-predisposing syndrome. Last evaluated: 2024-10-30. Review status: criteria provided, single submitter. Criteria: ACMG Guidelines, 2015. Collection method: clinical testing. Allele origin: germline. Not counted in ClinVar's aggregate classification.
Comment: This variant causes a C to G nucleotide substitution at the -3 position of intron 22 of the BRCA2 gene. Splice site prediction tools predict that this variant may have a significant impact on RNA splicing (PMID: 30661751, 35449021). This variant has been reported to cause the out-of-frame insertion of 2 nucleotides in a minigene splicing assay (PMID: 22632462) and out-of-frame splicing in carrier RNA (ClinVar SCV001562452.4). This variant has been reported in an individual affected with both breast and ovarian cancer (DOI:10.1016/j.genrep.2024.101945). A similar variant c.8954-5A>G has been reported as disease-causing in ClinVar (variation ID 267712) and shown to cause out-of-framing splicing by RNA studies (PMID: 21735045, 24123850, 24607278, 29280214) and reported in individuals affected with breast cancer (PMID: 23479189, 24607278, 26187060) and in families suspected of being affected with hereditary breast and ovarian cancer (PMID: 21735045, 24123850, 30415210, 33875706). This variant has not been identified in the general population by the Genome Aggregation Database (gnomAD). Based on the available evidence, this variant is classified as Likely Pathogenic.

GeneDx
Classification: Likely pathogenic. Last evaluated: 2024-01-02. Review status: criteria provided, single submitter. Criteria: GeneDx Variant Classification Process June 2021. Collection method: clinical testing. Allele origin: germline. Affected: yes. Not counted in ClinVar's aggregate classification.
Comment: Non-canonical splice site variant demonstrated to result in loss of function (PMID: 22632462); Not observed at significant frequency in large population cohorts (gnomAD); In silico analysis supports a deleterious effect on splicing; Also known as 9182-3C>G; This variant is associated with the following publications: (PMID: 28152038, 24123850, 25556971, 22632462)

Labcorp Genetics (formerly Invitae), Labcorp
Classification: Likely pathogenic for Hereditary breast ovarian cancer syndrome. Last evaluated: 2023-05-22. Review status: criteria provided, single submitter. Criteria: Invitae Variant Classification Sherloc (09022015). Collection method: clinical testing. Allele origin: germline. Not counted in ClinVar's aggregate classification.
Comment: This sequence change falls in intron 22 of the BRCA2 gene. It does not directly change the encoded amino acid sequence of the BRCA2 protein. It affects a nucleotide within the consensus splice site. This variant is not present in population databases (gnomAD no frequency). This variant has been observed in individual(s) with BRCA2-related conditions (PMID: 25556971). ClinVar contains an entry for this variant (Variation ID: 52712). Variants that disrupt the consensus splice site are a relatively common cause of aberrant splicing (PMID: 17576681, 9536098). Studies have shown that this variant alters mRNA splicing and is expected to lead to the loss of protein expression (PMID: 22632462, 24123850; Invitae). In summary, the currently available evidence indicates that the variant is pathogenic, but additional data are needed to prove that conclusively. Therefore, this variant has been classified as Likely Pathogenic.

Biotechnology, Institute of Science, Nirma University
Classification: Likely pathogenic for Breast-ovarian cancer, familial, susceptibility to, 2. Last evaluated: 2023-04-08. Review status: no assertion criteria provided. Collection method: clinical testing. Allele origin: germline. Affected: yes. Observed: 1 variant allele, 1 heterozygote. Not counted in ClinVar's aggregate classification.
Comment: The BRCA2c.8954-3C>G variant has been classified as likely pathogenic. The alteration takes place in the splice site of intron 22 which could be affecting the protein formation downstream. This particular variant has been validated by Trujillano D et al. J Mol Diagn, 2015 Mar;17:162-70, using the next generation sequencing panel for BRCA2 analysis. This mutation has been reported to play role in ovarian and breast cancers, which also corelates with the medical history of the proband. Validation of the mutation in the Mutation taster predicts the variant to be disease causing and having a pathogenic effect. The rs3819 has been classified well under BROVCA2. Given the evidences the variants has been classified as Likely Pathogenic.

Counsyl
Classification: Uncertain significance for Breast-ovarian cancer, familial, susceptibility to, 2. Last evaluated: 2018-06-07. Review status: no assertion criteria provided. Collection method: clinical testing. Allele origin: unknown. Not counted in ClinVar's aggregate classification.

Breast Cancer Information Core (BIC) (BRCA2)
Classification: Pathogenic for Breast-ovarian cancer, familial 2. Last evaluated: 2003-12-23. Review status: no assertion criteria provided. Collection method: clinical testing. Allele origin: germline. Affected: yes. Observed: 1 variant allele. Not counted in ClinVar's aggregate classification.

Literature cited by the submitters: PubMed 22632462 (cited by 5 submitters); PubMed 25556971 (cited by 4 submitters); PubMed 39779848 (cited by Ambry Genetics); PubMed 39779857 (cited by Ambry Genetics); PubMed 21735045 (cited by Color Diagnostics, LLC DBA Color Health and Biotechnology, Institute of Science, Nirma University); PubMed 23479189 (cited by Color Diagnostics, LLC DBA Color Health); PubMed 24123850 (cited by Color Diagnostics, LLC DBA Color Health and Labcorp Genetics (formerly Invitae), Labcorp); PubMed 24607278 (cited by Color Diagnostics, LLC DBA Color Health); PubMed 26187060 (cited by Color Diagnostics, LLC DBA Color Health); PubMed 29280214 (cited by Color Diagnostics, LLC DBA Color Health); PubMed 30415210 (cited by Color Diagnostics, LLC DBA Color Health); PubMed 30661751 (cited by Color Diagnostics, LLC DBA Color Health); PubMed 33875706 (cited by Color Diagnostics, LLC DBA Color Health); PubMed 35449021 (cited by Color Diagnostics, LLC DBA Color Health); PubMed 17576681 (cited by Labcorp Genetics (formerly Invitae), Labcorp); PubMed 9536098 (cited by Labcorp Genetics (formerly Invitae), Labcorp).

NM_000059.4(BRCA2):c.8954-3C>G

Gene: BRCA2 (BRCA2 DNA repair associated; plus strand). Cytogenetic location: 13q13.1.
Variant type: single nucleotide variant.
Coding change: c.8954-3C>G on transcript NM_000059.4 (MANE Select); 3 bases into the intron before coding-DNA position 8954, C replaced by G.
Molecular consequence: intron variant.
Genome position (GRCh38, 1-based): chr13:32,379,747, C>G. VCF-style: chr13-32379747-C-G. GRCh37 (hg19) VCF-style: chr13-32953884-C-G.
Other names: IVS22-3C>G.
Identifiers: ClinVar variation 52712 (VCV000052712.26), dbSNP rs81002844, ClinGen allele CA025895.